The following is an entry in ClinVar:

ClinVar aggregate classification (germline): Pathogenic. Review status: criteria provided, multiple submitters, no conflicts (2 of 4 stars). 2 submissions from 2 submitters: Pathogenic (2). Last evaluated 2022-06-21.

Conditions:
Hereditary cancer-predisposing syndrome. Also called: Hereditary Cancer Syndrome; Neoplastic Syndromes, Hereditary; Hereditary neoplastic syndrome; Tumor predisposition. Identifiers: Orphanet 140162, MedGen C0027672, MeSH D009386, MONDO:0015356.
Cardiovascular phenotype. Identifiers: MedGen CN230736.
Neurofibromatosis, type 1 (NF1). Also called: Peripheral type neurofibromatosis; Neurofibromatosis, type I; NEUROFIBROMATOSIS, TYPE I, SOMATIC; VON RECKLINGHAUSEN DISEASE. Identifiers: Orphanet 636, MedGen C0027831, MONDO:0018975, OMIM 162200. Disease mechanism: loss of function.
Tibial pseudarthrosis. Identifiers: MedGen C4024216, HP:0009736.

Submissions (2):

Ambry Genetics
Classification: Pathogenic for Cardiovascular phenotype; Hereditary cancer-predisposing syndrome. Last evaluated: 2022-06-21. Review status: criteria provided, single submitter. Criteria: Ambry Variant Classification Scheme 2023. Collection method: clinical testing. Allele origin: germline.
Comment: The c.643delA pathogenic mutation, located in coding exon 6 of the NF1 gene, results from a deletion of one nucleotide at nucleotide position 643, causing a translational frameshift with a predicted alternate stop codon (p.S215Afs*10). This alteration has previously been identified in individuals with clinical features consistent with neurofibromatosis type 1 (NF1) (Palma Milla C et al. Ann Hum Genet, 2018 11;82:425-436; Zhu G et al. Orphanet J Rare Dis, 2019 09;14:221). In addition to the clinical data presented in the literature, this alteration is expected to result in loss of function by premature protein truncation or nonsense-mediated mRNA decay. As such, this alteration is interpreted as a disease-causing mutation.

The Laboratory of Genetics and Metabolism, Hunan Children’s Hospital
Classification: Pathogenic for Neurofibromatosis, type 1; Tibial pseudoarthrosis. Last evaluated: 2018-11-10. Review status: criteria provided, single submitter. Criteria: ACMG Guidelines, 2015. Collection method: research. Allele origin: de novo. Affected: yes. Observed: 1 variant allele.

Literature cited by the submitters: PubMed 31533797 (cited by The Laboratory of Genetics and Metabolism, Hunan Children’s Hospital).

NM_001042492.3(NF1):c.643del (p.Ser215fs)

Gene: NF1 (neurofibromin 1; plus strand). Cytogenetic location: 17q11.2.
Variant type: Deletion.
Coding change: c.643del on transcript NM_001042492.3 (MANE Select); coding-DNA position 643, one base deleted (A; older notation c.643delA).
Protein change: p.Ser215fs; shifts the reading frame from serine 215.
Molecular consequence: frameshift variant.
Genome position (GRCh38, 1-based): chr17:31,181,478, A deleted. VCF-style (leftmost placement, unchanged base first): chr17-31181477-TA-T. GRCh37 (hg19) VCF-style: chr17-29508495-TA-T.
Other names: c.643delA (NM_000267.3); c.643delA, p.Ser215Alafs (NM_000267.4, NM_001042492.2); c.643del, p.Ser215fs (NM_001128147.3); short protein forms S215fs.
Identifiers: ClinVar variation 818180 (VCV000818180.4), dbSNP rs1597658192, ClinGen allele CA915949754.
Genomic context (GRCh38, chr17:31,181,477, plus strand): 5'-TCCAGAAACAGCATTTAAATTTAAAGCCCTAAAGAAGGTTGCGCAGTTAGCAGTTATAAA[TA>T]GCCTGGAAAAGGTAAGTTACAACCTCTCTGGTATTAAAATTTTGTTTTTGATGTAAAATT-3'